The following is an entry in ClinVar:

NM_000016.6(ACADM):c.287-2A>G

Gene: ACADM (acyl-CoA dehydrogenase medium chain; plus strand). Cytogenetic location: 1p31.1.
Variant type: single nucleotide variant.
Coding change: c.287-2A>G on transcript NM_000016.6 (MANE Select); the canonical splice acceptor site of the intron before coding-DNA position 287, A replaced by G.
Molecular consequence: splice acceptor variant. On other transcripts: intron variant (1).
Genome position (GRCh38, 1-based): chr1:75,733,526, A>G. VCF-style: chr1-75733526-A-G. GRCh37 (hg19) VCF-style: chr1-76199211-A-G.
Other names: c.299-2A>G (NM_001127328.3); c.386-2A>G (NM_001286043.2); c.179-2A>G (NM_001286042.2); c.-100+604A>G (NM_001286044.2).
Identifiers: ClinVar variation 374389 (VCV000374389.10), dbSNP rs1057518677, ClinGen allele CA16043645.
Genomic context (GRCh38, chr1:75,733,526, plus strand): 5'-ACCTTTATTTCTATTGTGATGTACTACATATTACAATGTGTTGAAACATTTTGATACTGT[A>G]GGAGGTCTTGGACTTGGAACTTTTGATGCTTGTTTAATTAGTGAAGAATTGGCTTATGGA-3'

ClinVar aggregate classification (germline): Pathogenic/Likely pathogenic. Review status: criteria provided, multiple submitters, no conflicts (2 of 4 stars). 4 submissions from 4 submitters: Pathogenic (1); Likely pathogenic (2). 1 of the submissions does not count toward it. Last evaluated 2025-09-10.

Conditions:
Medium-chain acyl-coenzyme A dehydrogenase deficiency (ACADMD). Also called: CARNITINE DEFICIENCY SECONDARY TO MEDIUM-CHAIN ACYL-CoA DEHYDROGENASE DEFICIENCY; ACADM DEFICIENCY; MCADH DEFICIENCY; Medium chain acyl-CoA dehydrogenase deficiency; MCAD Deficiency; MCADD. Identifiers: Orphanet 42, MedGen C0220710, MONDO:0008721, OMIM 201450.

gnomAD v4.1: 1 of 1,610,470 alleles (0.000062%); no homozygotes.

Submissions (4):

Natera, Inc.
Classification: Pathogenic for Medium Chain Acyl-CoA Dehydrogenase Deficiency. Last evaluated: 2025-09-10. Review status: criteria provided, single submitter. Criteria: Natera Variant Classification Schema (03/2026). Collection method: clinical testing. Allele origin: germline.
Comment: The c.287-2A>G variant in ACADM is a canonical splice acceptor site variant predicted to affect pre-mRNA splicing, which may result in an abnormal transcript and altered protein product. This variant is expected to result in nonsense mediated decay, truncation, or a dysfunctional protein product. This variant is rare in the general population with a frequency below the threshold expected for the associated phenotype(s). This variant has been observed in one or more individuals affected with the associated recessive disease, as either homozygous or compound heterozygous with a second variant (PMID: 27959697). Given the available evidence, this variant is classified as Pathogenic.

Fulgent Genetics
Classification: Likely pathogenic for Medium-chain acyl-coenzyme A dehydrogenase deficiency. Last evaluated: 2024-03-23. Review status: criteria provided, single submitter. Criteria: ACMG Guidelines, 2015. Collection method: clinical testing. Allele origin: germline.

Labcorp Genetics (formerly Invitae), Labcorp
Classification: Likely pathogenic for Medium-chain acyl-coenzyme A dehydrogenase deficiency. Last evaluated: 2022-04-23. Review status: criteria provided, single submitter. Criteria: Invitae Variant Classification Sherloc (09022015). Collection method: clinical testing. Allele origin: germline.
Comment: This sequence change affects an acceptor splice site in intron 4 of the ACADM gene. It is expected to disrupt RNA splicing. Variants that disrupt the donor or acceptor splice site typically lead to a loss of protein function (PMID: 16199547), and loss-of-function variants in ACADM are known to be pathogenic (PMID: 16121256, 20434380). In summary, the currently available evidence indicates that the variant is pathogenic, but additional data are needed to prove that conclusively. Therefore, this variant has been classified as Likely Pathogenic. Algorithms developed to predict the effect of sequence changes on RNA splicing suggest that this variant may disrupt the consensus splice site. ClinVar contains an entry for this variant (Variation ID: 374389). This variant has not been reported in the literature in individuals affected with ACADM-related conditions. This variant is not present in population databases (gnomAD no frequency).

Baylor Genetics
Classification: Pathogenic for Medium-chain acyl-coenzyme A dehydrogenase deficiency. Last evaluated: 2015-02-06. Review status: no assertion criteria provided. Collection method: clinical testing. Allele origin: maternal, germline. Inheritance: Autosomal recessive inheritance. Affected: yes. Observed: 2 variant alleles, 1 heterozygote, 1 compound heterozygote. Not counted in ClinVar's aggregate classification.
Comment: The c.287-2A>G ACADM variant is located at the invariant splice site of ACADM gene and is predicted as deleterious according to ACMGG guidelines [PMID: 18414213]. Heterozygotes would be expected to be asymptomatic carriers.

Literature cited by the submitters: PubMed 27959697 (cited by Natera, Inc.); PubMed 16199547 (cited by Labcorp Genetics (formerly Invitae), Labcorp); PubMed 16121256 (cited by Labcorp Genetics (formerly Invitae), Labcorp); PubMed 20434380 (cited by Labcorp Genetics (formerly Invitae), Labcorp).